The following is an entry in ClinVar:

ClinVar aggregate classification (germline): Uncertain significance (1 of 4 stars; one submission).

Submission:

CeGaT Center for Human Genetics Tuebingen
Classification: Uncertain significance. Last evaluated: 2022-07-01. Review status: criteria provided, single submitter. Criteria: CeGaT Center For Human Genetics Tuebingen Variant Classification Criteria Version 2. Collection method: clinical testing. Allele origin: germline. Affected: yes. Observed: 1 variant allele.
Comment: POLR3A: PM2, PM3:Supporting, PP3

NM_007055.4(POLR3A):c.1631A>C (p.Asp544Ala)

Gene: POLR3A (RNA polymerase III subunit A; minus strand). Cytogenetic location: 10q22.3.
Variant type: single nucleotide variant.
Coding change: c.1631A>C on transcript NM_007055.4 (MANE Select); coding-DNA position 1631, A replaced by C.
Protein change: p.Asp544Ala; replaces aspartic acid 544 with alanine.
Molecular consequence: missense variant.
Genome position (GRCh38, 1-based): chr10:78,010,482, T>G on the plus strand (A>C on the coding strand, the complement: POLR3A is on the minus strand). VCF-style: chr10-78010482-T-G. GRCh37 (hg19) VCF-style: chr10-79770240-T-G.
Other names: short protein forms D544A.
Identifiers: ClinVar variation 1701141 (VCV001701141.31), dbSNP rs2131950070, ClinGen allele CA377341322.